The following is an entry in ClinVar:

NM_000204.5(CFI):c.1085G>A (p.Gly362Glu)

Gene: CFI (complement factor I; minus strand). Cytogenetic location: 4q25.
Variant type: single nucleotide variant.
Coding change: c.1085G>A on transcript NM_000204.5 (MANE Select); coding-DNA position 1085, G replaced by A.
Protein change: p.Gly362Glu; replaces glycine 362 with glutamic acid.
Molecular consequence: missense variant. On other transcripts: non-coding transcript variant (3).
Genome position (GRCh38, 1-based): chr4:109,749,281, C>T on the plus strand (G>A on the coding strand, the complement: CFI is on the minus strand). VCF-style: chr4-109749281-C-T. GRCh37 (hg19) VCF-style: chr4-110670437-C-T.
Other names: c.1109G>A, p.Gly370Glu (NM_001318057.2, NM_001375278.1); c.1064G>A, p.Gly355Glu (NM_001331035.2, NM_001375280.1, NM_001375282.1); c.1085G>A, p.Gly362Glu (NM_001375279.1, NM_001375281.1); c.1028G>A, p.Gly343Glu (NM_001375283.1); c.476G>A, p.Gly159Glu (NM_001375284.1); short protein forms G159E, G362E, G370E, G355E, G343E.
Identifiers: ClinVar variation 1374567 (VCV001374567.6), dbSNP rs200619905, ClinGen allele CA357858798.

ClinVar aggregate classification (germline): Uncertain significance (1 of 4 stars; one submission).

gnomAD v4.1: 1 of 1,614,144 alleles (0.000062%); highest among the groups gnomAD compares: Middle Eastern, 0.016%; no homozygotes.

Submission:

Labcorp Genetics (formerly Invitae), Labcorp
Classification: Uncertain significance. Last evaluated: 2022-07-12. Review status: criteria provided, single submitter. Criteria: Invitae Variant Classification Sherloc (09022015). Collection method: clinical testing. Allele origin: germline.
Comment: ClinVar contains an entry for this variant (Variation ID: 1374567). This variant has not been reported in the literature in individuals affected with CFI-related conditions. This variant is not present in population databases (gnomAD no frequency). This sequence change replaces glycine with glutamic acid at codon 362 of the CFI protein (p.Gly362Glu). The glycine residue is weakly conserved and there is a moderate physicochemical difference between glycine and glutamic acid. Advanced modeling of protein sequence and biophysical properties (such as structural, functional, and spatial information, amino acid conservation, physicochemical variation, residue mobility, and thermodynamic stability) performed at Invitae indicates that this missense variant is not expected to disrupt CFI protein function. In summary, the available evidence is currently insufficient to determine the role of this variant in disease. Therefore, it has been classified as a Variant of Uncertain Significance.